The following is an entry in ClinVar:

NM_001165963.4(SCN1A):c.4984_4986del (p.Ala1662del)

Genes: SCN1A (sodium voltage-gated channel alpha subunit 1; minus strand), LOC102724058 (uncharacterized LOC102724058; plus strand). Cytogenetic location: 2q24.3.
Variant type: Deletion.
Coding change: c.4984_4986del on transcript NM_001165963.4 (MANE Select); coding-DNA positions 4984 to 4986, 3 bases deleted (GCT; older notation c.4984_4986delGCT).
Protein change: p.Ala1662del; deletes alanine 1662.
Molecular consequence: inframe deletion. On other transcripts: non-coding transcript variant (1).
Genome position (GRCh38, 1-based): chr2:165,992,289-165,992,291, AGC deleted on the plus strand (GCT on the coding strand, the reverse complement: SCN1A is on the minus strand); deleting any 3 consecutive bases within chr2:165,992,289-165,992,292 gives the same sequence; the c. name uses the placement nearest the transcript's 3' end. VCF-style (leftmost placement, unchanged base first): chr2-165992288-AAGC-A. GRCh37 (hg19) VCF-style: chr2-166848798-AAGC-A.
Other names: c.4948_4950del, p.Ala1650del (NM_001353955.2, NM_001353954.2); c.4900_4902del, p.Ala1634del (NM_001353957.2, NM_001353958.2, NM_001165964.3); c.4897_4899del, p.Ala1633del (NM_001353960.2); c.2542_2544del, p.Ala848del (NM_001353961.2); c.4951_4953del, p.Ala1651del (NM_006920.6, NM_001353949.2, NM_001353950.2 and 2 more transcripts); c.4984_4986del, p.Ala1662del (NM_001202435.3, NM_001353948.2); short protein forms A1633del, A1650del, A1634del, A1651del, A1662del, A848del.
Identifiers: ClinVar variation 2822650 (VCV002822650.3), dbSNP rs2468339528, ClinGen allele CA2739271485.

ClinVar aggregate classification (germline): Uncertain significance (1 of 4 stars; one submission).

Conditions:
Early-infantile DEE. Also called: Early infantile epileptic encephalopathy; Early infantile epileptic encephalopathy with suppression bursts; Ohtahara syndrome. Identifiers: Orphanet 1934, MedGen C0393706, MONDO:0800491.

Submission:

Labcorp Genetics (formerly Invitae), Labcorp
Classification: Uncertain significance for Early-infantile DEE. Last evaluated: 2022-12-20. Review status: criteria provided, single submitter. Criteria: Invitae Variant Classification Sherloc (09022015). Collection method: clinical testing. Allele origin: germline.
Comment: In summary, the available evidence is currently insufficient to determine the role of this variant in disease. Therefore, it has been classified as a Variant of Uncertain Significance. Experimental studies and prediction algorithms are not available or were not evaluated, and the functional significance of this variant is currently unknown. This variant has been observed in individual(s) with clinical features of Dravet syndrome (Invitae). This variant is not present in population databases (gnomAD no frequency). This variant, c.4984_4986del, results in the deletion of 1 amino acid(s) of the SCN1A protein (p.Ala1662del), but otherwise preserves the integrity of the reading frame.